The following is an entry in ClinVar:

ClinVar aggregate classification (germline): Benign. Review status: criteria provided, multiple submitters, no conflicts (2 of 4 stars). 14 submissions from 12 submitters: Benign (11). 3 of the submissions do not count toward it. Last evaluated 2026-04-06.

Conditions:
Nephronophthisis. Also called: Juvenile Nephronophthisis. Identifiers: Orphanet 655, MedGen C0687120, MONDO:0019005, HP:0000090.
Joubert syndrome with renal defect. Also called: JOUBERT SYNDROME 4. Identifiers: Orphanet 220497, MedGen C1846790, MONDO:0012308, OMIM 609583.
Nephronophthisis 1 (NPHP1). Also called: Nephronophthisis familial juvenile. Identifiers: Orphanet 655, Orphanet 93592, MedGen C1855681, MONDO:0009728, OMIM 256100.
Senior-Loken syndrome 1 (SLSN1). Also called: JUVENILE NEPHRONOPHTHISIS WITH LEBER AMAUROSIS. Identifiers: Orphanet 3156, MedGen C4551559, MONDO:0009962, OMIM 266900.

Allele frequency attached by ClinVar (database versions not stated): gnomAD exomes 0.00339 and 0.00853; ExAC 0.01010; gnomAD 0.03028 and 0.03266; 1000 Genomes Project 0.03075; ESP Exome Variant Server 0.03329; TOPMed 0.03341; 1000 Genomes Project 30x 0.03342.
gnomAD v4.1: 9,840 of 1,613,762 alleles (0.61%); highest among the groups gnomAD compares: African/African-American, 10%; 454 homozygotes.

Submissions (14):

Women's Health and Genetics/Laboratory Corporation of America, LabCorp
Classification: Benign. Last evaluated: 2026-04-06. Review status: criteria provided, single submitter. Criteria: LabCorp Variant Classification Summary - May 2015. Collection method: clinical testing. Allele origin: germline.

Labcorp Genetics (formerly Invitae), Labcorp
Classification: Benign for Nephronophthisis. Last evaluated: 2026-02-04. Review status: criteria provided, single submitter. Criteria: Invitae Variant Classification Sherloc (09022015). Collection method: clinical testing. Allele origin: germline.

Blueprint Genetics
Classification: Benign. Last evaluated: 2024-11-26. Review status: criteria provided, single submitter. Criteria: ACMG Guidelines, 2015. Collection method: clinical testing. Allele origin: germline.

Mayo Clinic Laboratories, Mayo Clinic
Classification: Benign. Last evaluated: 2022-03-09. Review status: criteria provided, single submitter. Criteria: ACMG Guidelines, 2015. Collection method: clinical testing. Allele origin: germline. Observed: 29 variant alleles.

Illumina Laboratory Services, Illumina
Classification: Benign for Senior-Loken syndrome 1. Last evaluated: 2018-01-12. Review status: criteria provided, single submitter. Criteria: ICSL Variant Classification Criteria 13 December 2019. Collection method: clinical testing. Allele origin: germline.
Comment: This variant was observed in the ICSL laboratory as part of a predisposition screen in an ostensibly healthy population. It had not been previously curated by ICSL or reported in the Human Gene Mutation Database (HGMD: prior to June 1st, 2018), and was therefore a candidate for classification through an automated scoring system. Utilizing variant allele frequency, disease prevalence and penetrance estimates, and inheritance mode, an automated score was calculated to assess if this variant is too frequent to cause the disease. Based on the score and internal cut-off values, a variant classified as benign is not then subjected to further curation. The score for this variant resulted in a classification of benign for this disease.

Illumina Laboratory Services, Illumina
Classification: Benign for Joubert syndrome with renal defect. Last evaluated: 2018-01-12. Review status: criteria provided, single submitter. Criteria: ICSL Variant Classification Criteria 13 December 2019. Collection method: clinical testing. Allele origin: germline.
Comment: the same text as in the submission from Illumina Laboratory Services, Illumina above.

Illumina Laboratory Services, Illumina
Classification: Benign for Nephronophthisis 1. Last evaluated: 2018-01-12. Review status: criteria provided, single submitter. Criteria: ICSL Variant Classification Criteria 13 December 2019. Collection method: clinical testing. Allele origin: germline.
Comment: the same text as in the submission from Illumina Laboratory Services, Illumina above.

GeneDx
Classification: Benign. Last evaluated: 2016-04-20. Review status: criteria provided, single submitter. Criteria: GeneDx Variant Classification (06012015). Collection method: clinical testing. Allele origin: germline. Affected: yes.
Comment: This variant is considered likely benign or benign based on one or more of the following criteria: it is a conservative change, it occurs at a poorly conserved position in the protein, it is predicted to be benign by multiple in silico algorithms, and/or has population frequency not consistent with disease.

Eurofins Ntd Llc (ga)
Classification: Benign. Last evaluated: 2014-10-30. Review status: criteria provided, single submitter. Criteria: EGL Classification Definitions 2015. Collection method: clinical testing. Allele origin: germline. Observed: 1 variant allele, 1 heterozygote.

Breakthrough Genomics
Classification: Benign. Review status: criteria provided, single submitter. Criteria: ACMG Guidelines, 2015. Collection method: not provided. Allele origin: germline. Inheritance: Autosomal recessive inheritance. Affected: yes.

PreventionGenetics, part of Exact Sciences
Classification: Benign. Review status: criteria provided, single submitter. Criteria: ACMG Guidelines, 2015. Collection method: clinical testing. Allele origin: germline.

Clinical Genetics DNA and cytogenetics Diagnostics Lab, Erasmus MC, Erasmus Medical Center
Classification: Benign. Review status: no assertion criteria provided. Collection method: clinical testing. Allele origin: germline. Affected: yes. Study: VKGL Data-share Consensus. Not counted in ClinVar's aggregate classification.

Genetic Services Laboratory, University of Chicago
Classification: Likely benign for AllHighlyPenetrant. Review status: no assertion criteria provided. Collection method: clinical testing. Allele origin: germline. Inheritance: Autosomal recessive inheritance. Not counted in ClinVar's aggregate classification.
Comment: Likely benign based on allele frequency in 1000 Genomes Project or ESP global frequency and its presence in a patient with a rare or unrelated disease phenotype. NOT Sanger confirmed.

Genome Diagnostics Laboratory, University Medical Center Utrecht
Classification: Benign. Review status: no assertion criteria provided. Collection method: clinical testing. Allele origin: germline. Affected: yes. Study: VKGL Data-share Consensus. Not counted in ClinVar's aggregate classification.

NM_001128178.3(NPHP1):c.771+39C>T

Gene: NPHP1 (nephrocystin 1; minus strand). Cytogenetic location: 2q13.
Variant type: single nucleotide variant.
Coding change: c.771+39C>T on transcript NM_001128178.3 (MANE Select); 39 bases into the intron after coding-DNA position 771, C replaced by T.
Molecular consequence: intron variant. On other transcripts: synonymous variant (2).
Genome position (GRCh38, 1-based): chr2:110,164,649, G>A on the plus strand (C>T on the coding strand, the complement: NPHP1 is on the minus strand). VCF-style: chr2-110164649-G-A. GRCh37 (hg19) VCF-style: chr2-110922226-G-A.
Other names: p.Cys270=; c.810C>T, p.Cys270= (NM_000272.5, NM_207181.4); c.585+39C>T (NM_001128179.3); c.771+39C>T (NM_001374256.1, NM_001374257.1); c.810C>T (NM_000272.4).
Identifiers: ClinVar variation 129815 (VCV000129815.30), dbSNP rs73954628, ClinGen allele CA154146.